The following is an entry in ClinVar:

NM_001039958.2(MESP2):c.486C>A (p.Cys162Ter)

Gene: MESP2 (mesoderm posterior bHLH transcription factor 2; plus strand). Cytogenetic location: 15q26.1.
Variant type: single nucleotide variant.
Coding change: c.486C>A on transcript NM_001039958.2 (MANE Select); coding-DNA position 486, C replaced by A.
Protein change: p.Cys162Ter; replaces cysteine 162 with a stop codon.
Molecular consequence: nonsense.
Genome position (GRCh38, 1-based): chr15:89,776,843, C>A. VCF-style: chr15-89776843-C-A. GRCh37 (hg19) VCF-style: chr15-90320074-C-A.
Other names: short protein forms C162*.
Identifiers: ClinVar variation 1070702 (VCV001070702.7), dbSNP rs1267767301, ClinGen allele CA393770490.
Genomic context (GRCh38, chr15:89,776,843, plus strand): 5'-CGAGGAGAGTCTGCAGTGCCGGCGCAGGCAGCGCGGGGACGCGGGGTCCCCTTGGGGCTG[C>A]CCGCTGTGCCCCGACCGTGGCCCCGCAGAGGCGCAGACGCAGGCGGAGGGGCAGGGGCAA-3'

ClinVar aggregate classification (germline): Pathogenic (1 of 4 stars; one submission).

Submission:

Labcorp Genetics (formerly Invitae), Labcorp
Classification: Pathogenic. Last evaluated: 2023-10-06. Review status: criteria provided, single submitter. Criteria: Invitae Variant Classification Sherloc (09022015). Collection method: clinical testing. Allele origin: germline.
Comment: This sequence change creates a premature translational stop signal (p.Cys162*) in the MESP2 gene. It is expected to result in an absent or disrupted protein product. Loss-of-function variants in MESP2 are known to be pathogenic (PMID: 9242490, 18485326). This variant is not present in population databases (gnomAD no frequency). This variant has not been reported in the literature in individuals affected with MESP2-related conditions. ClinVar contains an entry for this variant (Variation ID: 1070702). For these reasons, this variant has been classified as Pathogenic.

Literature cited by the submitters: PubMed 9242490; PubMed 18485326.